The following is an entry in ClinVar:

NM_007294.4(BRCA1):c.2675T>G (p.Leu892Ter)

Gene: BRCA1 (BRCA1 DNA repair associated; minus strand). Cytogenetic location: 17q21.31.
Variant type: single nucleotide variant.
Coding change: c.2675T>G on transcript NM_007294.4 (MANE Select); coding-DNA position 2675, T replaced by G.
Protein change: p.Leu892Ter; replaces leucine 892 with a stop codon.
Molecular consequence: nonsense. On other transcripts: intron variant (137).
Genome position (GRCh38, 1-based): chr17:43,092,856, A>C on the plus strand (T>G on the coding strand, the complement: BRCA1 is on the minus strand). VCF-style: chr17-43092856-A-C. GRCh37 (hg19) VCF-style: chr17-41244873-A-C.
Other names: 2794T>G-Leu892ter; c.2675T>G, p.Leu892Ter (NM_001407598.1, NM_001407602.1, NM_001407603.1 and 30 more transcripts); c.2672T>G, p.Leu891Ter (NM_001407610.1, NM_001407611.1, NM_001407612.1 and 22 more transcripts); c.2666T>G, p.Leu889Ter (NM_001407646.1, NM_001407647.1); c.2552T>G, p.Leu851Ter (NM_001407648.1, NM_001407664.1, NM_001407665.1 and 19 more transcripts); c.2549T>G, p.Leu850Ter (NM_001407649.1, NM_001407670.1, NM_001407671.1 and 11 more transcripts); c.2597T>G, p.Leu866Ter (NM_001407653.1, NM_001407654.1, NM_001407655.1 and 4 more transcripts); c.2534T>G, p.Leu845Ter (NM_001407728.1, NM_001407729.1, NM_001407730.1 and 29 more transcripts); and 42 more; short protein forms L892*, L845*, L724*, L780*, L781*, L822*, L803*, L821*.
Identifiers: ClinVar variation 266290 (VCV000266290.6), dbSNP rs397508994, ClinGen allele CA10589826.
Genomic context (GRCh38, chr17:43,092,856, plus strand): 5'-TTTCCTTGATTTTCTTCCTTTTGTTCACATTCAAAAGTGACTTTTGGACTTTGTTTCTTT[A>C]AGGACCCAGAGTGGGCAGAGAATGTTGCACATTCCTCTTCTGCATTTCCTGGATTTGAAA-3'

ClinVar aggregate classification (germline): Pathogenic. Review status: reviewed by expert panel (3 of 4 stars). 2 submissions from 2 submitters: Pathogenic (1). 1 of the submissions does not count toward it. Last evaluated 2016-10-18.

Conditions:
Breast-ovarian cancer, familial, susceptibility to, 1 (BROVCA1). Also called: BRCA1 Hereditary Breast and Ovarian Cancer; OVARIAN CANCER, SUSCEPTIBILITY TO. Identifiers: Orphanet 145, MedGen C2676676, MONDO:0011450, OMIM 604370. Disease mechanism: loss of function.

Submissions (2):

Evidence-based Network for the Interpretation of Germline Mutant Alleles (ENIGMA)
Classification: Pathogenic for Breast-ovarian cancer, familial, susceptibility to, 1. Last evaluated: 2016-10-18. Review status: reviewed by expert panel. Criteria: ENIGMA BRCA1/2 Classification Criteria (2015). Collection method: curation. Allele origin: germline.
Comment: Variant allele predicted to encode a truncated non-functional protein.

Consortium of Investigators of Modifiers of BRCA1/2 (CIMBA), c/o University of Cambridge
Classification: Pathogenic for Breast-ovarian cancer, familial, susceptibility to, 1. Last evaluated: 2015-10-02. Review status: criteria provided, single submitter. Criteria: CIMBA Mutation Classification guidelines May 2016. Collection method: clinical testing. Allele origin: germline. Not counted in ClinVar's aggregate classification.